The following is an entry in ClinVar:

ClinVar aggregate classification (germline): Uncertain significance (1 of 4 stars; one submission).

gnomAD v4.1: 21 of 1,552,748 alleles (0.0014%); highest among the groups gnomAD compares: Admixed American, 0.0078%; no homozygotes.

Submission:

Labcorp Genetics (formerly Invitae), Labcorp
Classification: Uncertain significance. Last evaluated: 2024-07-30. Review status: criteria provided, single submitter. Criteria: Invitae Variant Classification Sherloc (09022015). Collection method: clinical testing. Allele origin: germline.
Comment: This sequence change replaces glycine, which is neutral and non-polar, with serine, which is neutral and polar, at codon 1636 of the ITPR1 protein (p.Gly1636Ser). The frequency data for this variant in the population databases is considered unreliable, as metrics indicate poor data quality at this position in the gnomAD database. This missense change has been observed in individual(s) with clinical features of ITPR1-related conditions (PMID: 28191889). Advanced modeling of protein sequence and biophysical properties (such as structural, functional, and spatial information, amino acid conservation, physicochemical variation, residue mobility, and thermodynamic stability) has been performed at Invitae for this missense variant, however the output from this modeling did not meet the statistical confidence thresholds required to predict the impact of this variant on ITPR1 protein function. In summary, the available evidence is currently insufficient to determine the role of this variant in disease. Therefore, it has been classified as a Variant of Uncertain Significance.

Literature cited by the submitters: PubMed 28191889.

NM_001378452.1(ITPR1):c.4978G>A (p.Gly1660Ser)

Genes: BRRIAR (BHLHE40 and RIG-I regulating ITPR1 antisense RNA; minus strand), ITPR1 (inositol 1,4,5-trisphosphate receptor type 1; plus strand). Cytogenetic location: 3p26.1.
Variant type: single nucleotide variant.
Coding change: c.4978G>A on transcript NM_001378452.1 (MANE Select); coding-DNA position 4978, G replaced by A.
Protein change: p.Gly1660Ser; replaces glycine 1660 with serine.
Molecular consequence: missense variant.
Genome position (GRCh38, 1-based): chr3:4,710,460, G>A. VCF-style: chr3-4710460-G-A. GRCh37 (hg19) VCF-style: chr3-4752144-G-A.
Other names: c.4951G>A, p.Gly1651Ser (NM_001099952.4); c.4933G>A, p.Gly1645Ser (NM_001168272.2); c.4906G>A, p.Gly1636Ser (NM_002222.7); short protein forms G1636S, G1651S, G1645S, G1660S.
Identifiers: ClinVar variation 3673359 (VCV003673359.2).
Genomic context (GRCh38, chr3:4,710,460, plus strand): 5'-CACAGACCCGAGCTGCTTTTCCCAGAGAACACAGACGCCAGAAGGAAATGTGAAAGTGGC[G>A]GTTTCATTTGCAAGTAAGCGGCCTCTCTCTCTGGGGTGTTCATTTGCCAGAACCTTGATG-3'
Protein context (NP_001365381.1, residues 1650-1670): TDARRKCESG[Gly1660Ser]FICKLIKHTK